The following is an entry in ClinVar:

NM_001371928.1(AHDC1):c.322C>G (p.Arg108Gly)

Gene: AHDC1 (AT-hook DNA binding motif containing 1; minus strand). Cytogenetic location: 1p36.11.
Variant type: single nucleotide variant.
Coding change: c.322C>G on transcript NM_001371928.1 (MANE Select); coding-DNA position 322, C replaced by G.
Protein change: p.Arg108Gly; replaces arginine 108 with glycine.
Molecular consequence: missense variant.
Genome position (GRCh38, 1-based): chr1:27,551,794, G>C on the plus strand (C>G on the coding strand, the complement: AHDC1 is on the minus strand). VCF-style: chr1-27551794-G-C. GRCh37 (hg19) VCF-style: chr1-27878305-G-C.
Other names: c.322C>G, p.Arg108Gly (NM_001029882.3); short protein forms R108G.
Identifiers: ClinVar variation 1922876 (VCV001922876.5), dbSNP rs1339889142, ClinGen allele CA339238032.
Genomic context (GRCh38, chr1:27,551,794, plus strand): 5'-TGATGTCAATCAGCTGCACCACTGGTCGCAGGTTCACCCGCCCGTTGTCCCAGCAGCGTC[G>C]GGAGCTGCTGCCGTCTCCGACCGGTGTGGGGCAGCGGGCCTGTGAGACAGGACGGGCTGC-3'
Protein context (NP_001358857.1, residues 98-118): PTPVGDGSSS[Arg108Gly]RCWDNGRVNL

ClinVar aggregate classification (germline): Uncertain significance (1 of 4 stars; one submission).

Allele frequency attached by ClinVar (database versions not stated): gnomAD exomes below 0.00001.
gnomAD v4.1: 2 of 1,613,002 alleles (0.00012%); highest among the groups gnomAD compares: Non-Finnish European, 0.00017%; no homozygotes.

Submission:

Labcorp Genetics (formerly Invitae), Labcorp
Classification: Uncertain significance. Last evaluated: 2022-07-25. Review status: criteria provided, single submitter. Criteria: Invitae Variant Classification Sherloc (09022015). Collection method: clinical testing. Allele origin: germline.
Comment: In summary, the available evidence is currently insufficient to determine the role of this variant in disease. Therefore, it has been classified as a Variant of Uncertain Significance. Algorithms developed to predict the effect of missense changes on protein structure and function are either unavailable or do not agree on the potential impact of this missense change (SIFT: "Tolerated"; PolyPhen-2: "Possibly Damaging"; Align-GVGD: "Class C0"). This variant has not been reported in the literature in individuals affected with AHDC1-related conditions. This variant is present in population databases (no rsID available, gnomAD 0.0009%). This sequence change replaces arginine, which is basic and polar, with glycine, which is neutral and non-polar, at codon 108 of the AHDC1 protein (p.Arg108Gly).